The following is an entry in ClinVar:

NM_004304.5(ALK):c.4625del (p.Pro1542fs)

Gene: ALK (ALK receptor tyrosine kinase; minus strand). Cytogenetic location: 2p23.2.
Variant type: Deletion.
Coding change: c.4625del on transcript NM_004304.5 (MANE Select); coding-DNA position 4625, one base deleted (C; older notation c.4625delC).
Protein change: p.Pro1542fs; shifts the reading frame from proline 1542.
Molecular consequence: frameshift variant.
Genome position (GRCh38, 1-based): chr2:29,193,462, G deleted on the plus strand (C on the coding strand, the reverse complement: ALK is on the minus strand); the first of 3 consecutive G bases (chr2:29,193,462-29,193,464); deleting any one gives the same sequence. VCF-style (leftmost placement, unchanged base first): chr2-29193461-TG-T. GRCh37 (hg19) VCF-style: chr2-29416327-TG-T.
Other names: c.1421del, p.Pro474fs (NM_001353765.2); short protein forms P474fs, P1542fs.
Identifiers: ClinVar variation 1044184 (VCV001044184.6), dbSNP rs1174832921, ClinGen allele CA531766846.
Genomic context (GRCh38, chr2:29,193,461, plus strand): 5'-CAGCGAAGAGGGCTCTAGGAGCAGTGAGGCCCCCGGAAGTCTCCCAGTTGCAACGTTAGG[TG>T]GGACAGTACAGCTTCCCTCCAGCCCCAGGTTACCCCTGTCGTGTGGCTCCTTCTTTGCTA-3'

ClinVar aggregate classification (germline): Uncertain significance (1 of 4 stars; one submission).

Conditions:
Neuroblastoma, susceptibility to, 3. Also called: ALK-Related Neuroblastic Tumor Susceptibility. Identifiers: Orphanet 635, MedGen C2751681, MONDO:0013083, OMIM 613014.

Submission:

Labcorp Genetics (formerly Invitae), Labcorp
Classification: Uncertain significance for Neuroblastoma, susceptibility to, 3. Last evaluated: 2020-09-08. Review status: criteria provided, single submitter. Criteria: Invitae Variant Classification Sherloc (09022015). Collection method: clinical testing. Allele origin: germline.
Comment: This sequence change results in a premature translational stop signal in the ALK gene (p.Pro1542Hisfs*16). While this is not anticipated to result in nonsense mediated decay, it is expected to disrupt the last 79 amino acids of the ALK protein. This variant is not present in population databases (ExAC no frequency). This variant has not been reported in the literature in individuals with ALK-related conditions. Experimental studies and prediction algorithms are not available or were not evaluated, and the functional significance of this variant is currently unknown. In summary, the available evidence is currently insufficient to determine the role of this variant in disease. Therefore, it has been classified as a Variant of Uncertain Significance.